The following is an entry in ClinVar:

NM_001267550.2(TTN):c.96871A>T (p.Thr32291Ser)

Genes: TTN (titin; minus strand), TTN-AS1 (TTN antisense RNA 1; plus strand), LOC126806421 (CDK7 strongly-dependent group 2 enhancer GRCh37_chr2:179407630-179408829; plus strand). Cytogenetic location: 2q31.2.
Variant type: single nucleotide variant.
Coding change: c.96871A>T on transcript NM_001267550.2 (MANE Select); coding-DNA position 96871, A replaced by T.
Protein change: p.Thr32291Ser; replaces threonine 32291 with serine.
Molecular consequence: missense variant.
Genome position (GRCh38, 1-based): chr2:178,543,102, T>A on the plus strand (A>T on the coding strand, the complement: TTN is on the minus strand). VCF-style: chr2-178543102-T-A. GRCh37 (hg19) VCF-style: chr2-179407829-T-A.
Other names: c.91948A>T, p.Thr30650Ser (NM_001256850.1); c.69676A>T, p.Thr23226Ser (NM_003319.4); c.89167A>T, p.Thr29723Ser (NM_133378.4); c.70051A>T, p.Thr23351Ser (NM_133432.3); c.70252A>T, p.Thr23418Ser (NM_133437.4); short protein forms T23226S, T23351S, T23418S, T29723S, T30650S, T32291S.
Identifiers: ClinVar variation 1172864 (VCV001172864.1), dbSNP rs1377452178, ClinGen allele CA349444825.

ClinVar aggregate classification (germline): Uncertain significance (1 of 4 stars; one submission).

Allele frequency attached by ClinVar (database versions not stated): gnomAD 0.00002.
gnomAD v4.1: 3 of 1,604,916 alleles (0.00019%); highest among the groups gnomAD compares: Non-Finnish European, 0.00026%; no homozygotes.

Submission:

Women's Health and Genetics/Laboratory Corporation of America, LabCorp
Classification: Uncertain significance. Last evaluated: 2021-06-01. Review status: criteria provided, single submitter. Criteria: LabCorp Variant Classification Summary - May 2015. Collection method: clinical testing. Allele origin: germline.
Comment: Variant summary: TTN c.89167A>T (p.Thr29723Ser) results in a conservative amino acid change located in the A-band region of the encoded protein sequence. Five of five in-silico tools predict a benign effect of the variant on protein function. The variant was absent in 246552 control chromosomes. The available data on variant occurrences in the general population are insufficient to allow any conclusion about variant significance. To our knowledge, no occurrence of c.89167A>T in individuals affected with Dilated Cardiomyopathy and no experimental evidence demonstrating its impact on protein function have been reported. No clinical diagnostic laboratories have submitted clinical-significance assessments for this variant to ClinVar after 2014. Based on the evidence outlined above, the variant was classified as uncertain significance.